The following is an entry in ClinVar:

ClinVar aggregate classification (germline): Conflicting classifications of pathogenicity. Review status: criteria provided, conflicting classifications (1 of 4 stars). 4 submissions from 4 submitters: Pathogenic (1); Likely pathogenic (1); Uncertain significance (1). 1 of the submissions does not count toward it. Last evaluated 2025-11-24.

Conditions:
Spermatogenic failure 78. Identifiers: MedGen C5774276, MONDO:0859338, OMIM 620170.
IQCN-related condition.

Allele frequency attached by ClinVar (database versions not stated): ESP Exome Variant Server 0.00024; ExAC 0.00029; 1000 Genomes Project 30x 0.00031; gnomAD exomes 0.00031; gnomAD 0.00032; TOPMed 0.00034.

Submissions (4):

PreventionGenetics, part of Exact Sciences
Classification: Likely pathogenic for IQCN-related condition. Last evaluated: 2025-11-24. Review status: criteria provided, single submitter. Criteria: ACMG Guidelines, 2015. Collection method: clinical testing. Allele origin: germline.
Comment: The IQCN c.2453_2454delAG variant is predicted to result in a frameshift and premature protein termination (p.Gln818Argfs*9). This variant was reported in the homozygous state in at least two males with total fertilization failure (TFF) and infertility (Dai et al. 2022. PubMed ID: 36321563; Sha et al. 2022. PubMed ID: 39872118). Functional analyses indicated that this variant caused sperm flagellar assembly defects (Li et al. 2023. PubMed ID: 37140151). This variant is reported in 0.075% of alleles in individuals of East Asian descent in gnomAD. This variant is interpreted as likely pathogenic.

First Genomix Gene Laboratory, Genetic Diagnostics Department
Classification: Pathogenic for Spermatogenic failure 78. Last evaluated: 2025-01-20. Review status: criteria provided, single submitter. Criteria: ACMG Guidelines, 2015. Collection method: clinical testing. Allele origin: germline. Inheritance: Autosomal recessive inheritance. Affected: no. Observed: 1 variant allele.

Juno Genomics, Hangzhou Juno Genomics, Inc
Classification: Uncertain significance for Spermatogenic failure 78. Review status: criteria provided, single submitter. Criteria: ACMG Guidelines, 2015. Collection method: clinical testing. Allele origin: germline. Affected: yes.
Comment: Absent from controls (or at extremely low frequency if recessive) in Genome Aggregation Database.;For recessive disorders, detected in trans with a pathogenic variant.;Patient's phenotype or family history is highly specific for a disease with a single genetic etiology.

OMIM
Classification: Pathogenic for SPERMATOGENIC FAILURE 78. Last evaluated: 2025-03-25. Review status: no assertion criteria provided. Collection method: literature only. Allele origin: germline. Not counted in ClinVar's aggregate classification.

Literature cited by the submitters: PubMed 36321563 (cited by OMIM); PubMed 39872118 (cited by OMIM); PubMed 37140151 (cited by OMIM).

NM_001145304.2(IQCN):c.2453_2454del (p.Gln818fs)

Gene: IQCN (IQ motif containing N; minus strand). Cytogenetic location: 19p13.11.
Variant type: Deletion.
Coding change: c.2453_2454del on transcript NM_001145304.2 (MANE Select); coding-DNA positions 2453 to 2454, 2 bases deleted (AG; older notation c.2453_2454delAG).
Protein change: p.Gln818fs; shifts the reading frame from glutamine 818.
Molecular consequence: frameshift variant.
Genome position (GRCh38, 1-based): chr19:18,265,086-18,265,087, CT deleted on the plus strand (AG on the coding strand, the reverse complement: IQCN is on the minus strand). VCF-style (leftmost placement, unchanged base first): chr19-18265085-CCT-C. GRCh37 (hg19) VCF-style: chr19-18375895-CCT-C.
Other names: c.2315_2316del, p.Gln772fs (NM_001145305.2); c.2453_2454del, p.Gln818fs (NM_025249.4); c.2453_2454delAG (NM_001145304.2, NM_001145304.1); short protein forms Q772fs, Q818fs.
Identifiers: ClinVar variation 2626861 (VCV002626861.6), dbSNP rs769441295, ClinGen allele CA9309255.
Genomic context (GRCh38, chr19:18,265,085, plus strand): 5'-TGGGTGCCATCGGCGGCACCAGCATACCCTGGACCTCACAGGCTGCCGGGCATGGTCCCC[CCT>C]GAGTGGTCTTCCCCGGCACGTGTCCGTGGGGCTGTGGCTGGGTCTGTCTGTCCTCTGGCT-3'